The following is an entry in ClinVar:

ClinVar aggregate classification (germline): Uncertain significance (1 of 4 stars; one submission).

Conditions:
Hereditary cancer-predisposing syndrome. Also called: Hereditary Cancer Syndrome; Hereditary neoplastic syndrome; Tumor predisposition; Neoplastic Syndromes, Hereditary. Identifiers: Orphanet 140162, MedGen C0027672, MeSH D009386, MONDO:0015356.

Submission:

Ambry Genetics
Classification: Uncertain significance for Hereditary cancer-predisposing syndrome. Last evaluated: 2024-09-10. Review status: criteria provided, single submitter. Criteria: Ambry Variant Classification Scheme 2023. Collection method: clinical testing. Allele origin: germline.
Comment: The p.E76V variant (also known as c.227A>T), located in coding exon 3 of the PMS2 gene, results from an A to T substitution at nucleotide position 227. The glutamic acid at codon 76 is replaced by valine, an amino acid with dissimilar properties. This amino acid position is highly conserved in available vertebrate species. In addition, the in silico prediction for this alteration is inconclusive. Based on the available evidence, the clinical significance of this variant remains unclear.

NM_000535.7(PMS2):c.227A>T (p.Glu76Val)

Gene: PMS2 (PMS1 homolog 2, mismatch repair system component; minus strand). Cytogenetic location: 7p22.1.
Variant type: single nucleotide variant.
Coding change: c.227A>T on transcript NM_000535.7 (MANE Select); coding-DNA position 227, A replaced by T.
Protein change: p.Glu76Val; replaces glutamic acid 76 with valine.
Molecular consequence: missense variant. On other transcripts: 5 prime UTR variant (9), non-coding transcript variant (1).
Genome position (GRCh38, 1-based): chr7:6,003,995, T>A on the plus strand (A>T on the coding strand, the complement: PMS2 is on the minus strand). VCF-style: chr7-6003995-T-A. GRCh37 (hg19) VCF-style: chr7-6043626-T-A.
Other names: c.-179A>T (NM_001018040.1, NM_001322003.2, NM_001322004.2 and 14 more transcripts); c.227A>T, p.Glu76Val (NM_001322006.2, NM_001322014.2, NM_001406868.1 and 10 more transcripts); c.12A>T, p.Arg4Ser (NM_001322007.2, NM_001322008.2, NM_001406876.1 and 4 more transcripts); c.-658A>T (NM_001322011.2, NM_001322012.2); c.-258A>T (NM_001322015.2, NM_001406875.1, NM_001406877.1 and 3 more transcripts); c.413A>T, p.Glu138Val (NM_001406866.1); c.-205A>T (NM_001406880.1); c.-155A>T (NM_001406881.1, NM_001406900.1); and 2 more; short protein forms E76V, E138V, R4S.
Identifiers: ClinVar variation 1788905 (VCV001788905.3), dbSNP rs2536513348, ClinGen allele CA366744800.
Genomic context (GRCh38, chr7:6,003,995, plus strand): 5'-AATTATTTTATAATAGGATTAGAAAAAGTCAACTTACTTAAGCCTTCGAAGTTTTCTTCT[T>A]CTACCCCACATCCATTGTCTGAAACTTCAATAAGATCCACTCCATAGTCCTTAAGCTTTA-3'
Protein context (NP_000526.2, residues 66-86): IEVSDNGCGV[Glu76Val]EENFEGLTLK